The following is an entry in ClinVar:

NM_014946.4(SPAST):c.317_322del (p.104AP[1])

Gene: SPAST (spastin; plus strand). Cytogenetic location: 2p22.3.
Variant type: Deletion.
Coding change: c.317_322del on transcript NM_014946.4 (MANE Select); coding-DNA positions 317 to 322, 6 bases deleted (CGCCGG; older notation c.317_322delCGCCGG).
Protein change: p.104AP[1].
Molecular consequence: inframe indel (on NM_014946.3).
Genome position (GRCh38, 1-based): chr2:32,064,148-32,064,153, CGCCGG deleted; deleting any 6 consecutive bases within chr2:32,064,144-32,064,153 gives the same sequence; the c. name uses the placement nearest the transcript's 3' end. VCF-style (leftmost placement, unchanged base first): chr2-32064143-CCCGGCG-C. GRCh37 (hg19) VCF-style: chr2-32289212-CCCGGCG-C.
Other names: c.317_322del, p.104AP[1] (NM_001363823.2, NM_001363875.2, NM_001377959.1 and 1 more transcripts); c.317_322delCGCCGG, p.Ala106_Pro107del (NM_014946.3).
Identifiers: ClinVar variation 3897133 (VCV003897133.1).

ClinVar aggregate classification (germline): Uncertain significance (1 of 4 stars; one submission).

Submission:

GeneDx
Classification: Uncertain significance. Last evaluated: 2024-11-03. Review status: criteria provided, single submitter. Criteria: GeneDx Variant Classification Process June 2021. Collection method: clinical testing. Allele origin: germline. Affected: yes.
Comment: Not observed at significant frequency in large population cohorts (gnomAD); In-frame deletion of 2 amino acid(s) in a non-repeat region; In silico analysis indicates that this variant does not alter protein structure/function; Has not been previously published as pathogenic or benign to our knowledge